The following is an entry in ClinVar:

ClinVar aggregate classification (germline): Uncertain significance (1 of 4 stars; one submission).

Conditions:
Progressive encephalopathy with leukodystrophy due to DECR deficiency. Identifiers: Orphanet 431361, MedGen C1857252, MONDO:0014464, OMIM 616034.

Submission:

Labcorp Genetics (formerly Invitae), Labcorp
Classification: Uncertain significance for Progressive encephalopathy with leukodystrophy due to DECR deficiency. Last evaluated: 2022-01-11. Review status: criteria provided, single submitter. Criteria: Invitae Variant Classification Sherloc (09022015). Collection method: clinical testing. Allele origin: germline.
Comment: In summary, the available evidence is currently insufficient to determine the role of this variant in disease. Therefore, it has been classified as a Variant of Uncertain Significance. Algorithms developed to predict the effect of missense changes on protein structure and function are either unavailable or do not agree on the potential impact of this missense change (SIFT: "Deleterious"; PolyPhen-2: "Benign"; Align-GVGD: "Class C0"). This variant has not been reported in the literature in individuals affected with NADK2-related conditions. This variant is not present in population databases (gnomAD no frequency). This sequence change replaces alanine, which is neutral and non-polar, with threonine, which is neutral and polar, at codon 56 of the NADK2 protein (p.Ala56Thr).

NM_001085411.3(NADK2):c.166G>A (p.Ala56Thr)

Genes: NADK2 (NAD kinase 2, mitochondrial; minus strand), LOC129993801 (ATAC-STARR-seq lymphoblastoid silent region 15972; plus strand). Cytogenetic location: 5p13.2.
Variant type: single nucleotide variant.
Coding change: c.166G>A on transcript NM_001085411.3 (MANE Select); coding-DNA position 166, G replaced by A.
Protein change: p.Ala56Thr; replaces alanine 56 with threonine.
Molecular consequence: missense variant. On other transcripts: intron variant (2).
Genome position (GRCh38, 1-based): chr5:36,241,633, C>T on the plus strand (G>A on the coding strand, the complement: NADK2 is on the minus strand). VCF-style: chr5-36241633-C-T. GRCh37 (hg19) VCF-style: chr5-36241735-C-T.
Other names: c.-190+463G>A (NM_153013.5, NM_001287341.2); short protein forms A56T.
Identifiers: ClinVar variation 2078715 (VCV002078715.4), dbSNP rs1748130420, ClinGen allele CA359447876.